The following is an entry in ClinVar:

NM_058216.3(RAD51C):c.975A>C (p.Thr325=)

Gene: RAD51C (RAD51 paralog C; plus strand). Cytogenetic location: 17q22.
Variant type: single nucleotide variant.
Coding change: c.975A>C on transcript NM_058216.3 (MANE Select); coding-DNA position 975, A replaced by C.
Protein change: p.Thr325=; no amino-acid change (threonine 325 retained).
Molecular consequence: synonymous variant. On other transcripts: non-coding transcript variant (1).
Genome position (GRCh38, 1-based): chr17:58,732,493, A>C. VCF-style: chr17-58732493-A-C. GRCh37 (hg19) VCF-style: chr17-56809854-A-C.
Other names: c.*403A>C (NM_058217.1).
Identifiers: ClinVar variation 2814441 (VCV002814441.4), dbSNP rs2509363948, ClinGen allele CA400364871.

ClinVar aggregate classification (germline): Benign/Likely benign. Review status: criteria provided, multiple submitters, no conflicts (2 of 4 stars). 2 submissions from 2 submitters: Benign (1); Likely benign (1). Last evaluated 2025-02-19.

Conditions:
Breast-ovarian cancer, familial, susceptibility to, 3. Also called: RAD51C-Related Breast/Ovarian Cancer. Identifiers: Orphanet 145, MedGen C3150659, MONDO:0013253, OMIM 613399.
Fanconi anemia complementation group O. Also called: RAD51C-Related Fanconi Anemia. Identifiers: Orphanet 84, MedGen C3150653, MONDO:0013248, OMIM 613390.

Allele frequency attached by ClinVar (database versions not stated): gnomAD exomes below 0.00001.
gnomAD v4.1: 3 of 1,613,184 alleles (0.00019%); highest among the groups gnomAD compares: Non-Finnish European, 0.00025%; no homozygotes.

Submissions (2):

Myriad Genetics, Inc.
Classification: Benign for Breast-ovarian cancer, familial, susceptibility to, 3. Last evaluated: 2025-02-19. Review status: criteria provided, single submitter. Criteria: Myriad Autosomal Dominant, Autosomal Recessive and X-Linked Classification Criteria (2023). Collection method: clinical testing. Allele origin: unknown.
Comment: This variant is considered benign. This variant is a silent/synonymous amino acid change and it is not expected to impact splicing.

Labcorp Genetics (formerly Invitae), Labcorp
Classification: Likely benign for Fanconi anemia complementation group O. Last evaluated: 2022-11-15. Review status: criteria provided, single submitter. Criteria: Invitae Variant Classification Sherloc (09022015). Collection method: clinical testing. Allele origin: germline.